The following is an entry in ClinVar:

NM_000260.4(MYO7A):c.790dup (p.Glu264fs)

Gene: MYO7A (myosin VIIA; plus strand). Cytogenetic location: 11q13.5.
Variant type: Duplication.
Coding change: c.790dup on transcript NM_000260.4 (MANE Select); coding-DNA position 790, one base duplicated (G; older notation c.790dupG).
Protein change: p.Glu264fs; shifts the reading frame from glutamic acid 264.
Molecular consequence: frameshift variant.
Genome position (GRCh38, 1-based): chr11:77,157,333, G duplicated. VCF-style (leftmost placement, unchanged base first): chr11-77157332-T-TG. GRCh37 (hg19) VCF-style: chr11-76868378-T-TG.
Other names: c.790dup, p.Glu264fs (NM_001127180.2); c.757dup, p.Glu253fs (NM_001369365.1); short protein forms E253fs, E264fs.
Identifiers: ClinVar variation 2029870 (VCV002029870.4), dbSNP rs2496763674, ClinGen allele CA2580084936.
Genomic context (GRCh38, chr11:77,157,332, plus strand): 5'-TTTTCAGGCCCTGGATGAAAGGAACTACCACGTGTTCTACTGCATGCTGGAGGGTATGAG[T>TG]GAGGATCAGAAGAAGAAGCTGGGCTTGGGCCAGGCCTCTGACTACAACTACTTGGCCATG-3'

ClinVar aggregate classification (germline): Pathogenic (1 of 4 stars; one submission).

Submission:

Labcorp Genetics (formerly Invitae), Labcorp
Classification: Pathogenic. Last evaluated: 2023-10-06. Review status: criteria provided, single submitter. Criteria: Invitae Variant Classification Sherloc (09022015). Collection method: clinical testing. Allele origin: germline.
Comment: This sequence change creates a premature translational stop signal (p.Glu264Glyfs*14) in the MYO7A gene. It is expected to result in an absent or disrupted protein product. Loss-of-function variants in MYO7A are known to be pathogenic (PMID: 8900236, 25404053). This variant is not present in population databases (gnomAD no frequency). This variant has not been reported in the literature in individuals affected with MYO7A-related conditions. ClinVar contains an entry for this variant (Variation ID: 2029870). For these reasons, this variant has been classified as Pathogenic.

Literature cited by the submitters: PubMed 8900236; PubMed 25404053.